The following is an entry in ClinVar:

NM_000404.4(GLB1):c.713C>T (p.Thr238Ile)

Gene: GLB1 (galactosidase beta 1; minus strand). Cytogenetic location: 3p22.3.
Variant type: single nucleotide variant.
Coding change: c.713C>T on transcript NM_000404.4 (MANE Select); coding-DNA position 713, C replaced by T.
Protein change: p.Thr238Ile; replaces threonine 238 with isoleucine.
Molecular consequence: missense variant. On other transcripts: intron variant (1).
Genome position (GRCh38, 1-based): chr3:33,058,109, G>A on the plus strand (C>T on the coding strand, the complement: GLB1 is on the minus strand). VCF-style: chr3-33058109-G-A. GRCh37 (hg19) VCF-style: chr3-33099601-G-A.
Other names: c.623C>T, p.Thr208Ile (NM_001079811.3); c.857C>T, p.Thr286Ile (NM_001317040.2); c.713C>T, p.Thr238Ile (NM_001393580.1); c.341-4560C>T (NM_001135602.3); short protein forms T208I, T238I, T286I.
Identifiers: ClinVar variation 2429471 (VCV002429471.1), dbSNP rs2471397513, ClinGen allele CA352003940.

ClinVar aggregate classification (germline): Uncertain significance (1 of 4 stars; one submission).

Conditions:
GM1 gangliosidosis type 2. Also called: GANGLIOSIDOSIS, GENERALIZED GM1, JUVENILE TYPE; GANGLIOSIDOSIS, GENERALIZED GM1, TYPE II; Gangliosidosis, Generalized GM1, Type 2; Juvenile GM>1< gangliosidosis; GM1-GANGLIOSIDOSIS, TYPE II. Identifiers: Orphanet 354, Orphanet 79256, MedGen C0268272, MONDO:0009261, OMIM 230600.

Submission:

Neuberg Centre For Genomic Medicine, NCGM
Classification: Uncertain significance for GM1 gangliosidosis type 2. Review status: criteria provided, single submitter. Criteria: ACMG Guidelines, 2015. Collection method: clinical testing. Allele origin: germline. Affected: yes.
Comment: The missense variant p.T238I in GLB1 (NM_000404.4) has not been reported previously as a pathogenic variant nor as a benign variant, to our knowledge. A nearby variant Thr239Met has been submitted to the LOVD as Likely Pathogenic but no details are available for independent verification. The p.T238I variant is novel (not in any individuals) in gnomAD Exomes and is novel (not in any individuals) in 1000 Genomes. There is a moderate physicochemical difference between threonine and isoleucine. The p.T238I missense variant is predicted to be damaging by both SIFT and PolyPhen2. The nucleotide c.713 in GLB1 is predicted conserved by GERP++ and PhyloP across 100 vertebrates. For these reasons, this variant has been classified as Uncertain Significance.